The following is an entry in ClinVar:

ClinVar aggregate classification (germline): Uncertain significance (1 of 4 stars; one submission).

Submission:

Ambry Genetics
Classification: Uncertain significance. Last evaluated: 2025-05-29. Review status: criteria provided, single submitter. Criteria: Ambry Variant Classification Scheme 2023. Collection method: clinical testing. Allele origin: germline.
Comment: The p.S348F variant (also known as c.1043C>T), located in coding exon 1 of the TET2 gene, results from a C to T substitution at nucleotide position 1043. The serine at codon 348 is replaced by phenylalanine, an amino acid with highly dissimilar properties. This amino acid position is conserved. In addition, this alteration is predicted to be tolerated by in silico analysis. Based on the available evidence, the clinical significance of this variant remains unclear.

NM_001127208.3(TET2):c.1043C>T (p.Ser348Phe)

Genes: TET2 (tet methylcytosine dioxygenase 2; plus strand), TET2-AS1 (TET2 antisense RNA 1; minus strand). Cytogenetic location: 4q24.
Variant type: single nucleotide variant.
Coding change: c.1043C>T on transcript NM_001127208.3 (MANE Select); coding-DNA position 1043, C replaced by T.
Protein change: p.Ser348Phe; replaces serine 348 with phenylalanine.
Molecular consequence: missense variant.
Genome position (GRCh38, 1-based): chr4:105,234,985, C>T. VCF-style: chr4-105234985-C-T. GRCh37 (hg19) VCF-style: chr4-106156142-C-T.
Other names: c.1043C>T, p.Ser348Phe (NM_017628.4); short protein forms S348F.
Identifiers: ClinVar variation 3967673 (VCV003967673.1).